The following is an entry in ClinVar:

NM_017802.4(DNAAF5):c.1586T>A (p.Leu529His)

Gene: DNAAF5 (dynein axonemal assembly factor 5; plus strand). Cytogenetic location: 7p22.3.
Variant type: single nucleotide variant.
Coding change: c.1586T>A on transcript NM_017802.4 (MANE Select); coding-DNA position 1586, T replaced by A.
Protein change: p.Leu529His; replaces leucine 529 with histidine.
Molecular consequence: missense variant. On other transcripts: non-coding transcript variant (1).
Genome position (GRCh38, 1-based): chr7:761,868, T>A. VCF-style: chr7-761868-T-A. GRCh37 (hg19) VCF-style: chr7-801505-T-A.
Other names: short protein forms L529H.
Identifiers: ClinVar variation 576902 (VCV000576902.15), dbSNP rs368098310, ClinGen allele CA4110788.
Genomic context (GRCh38, chr7:761,868, plus strand): 5'-ATGAGGACTGTGGCGTGGCCAGCCTGCAGCTCTTGGACGTGCTGCTGACAATAGTGGCCC[T>A]CGCAGGTGCTACCGGCCTGAGGGACAAGGTAAGGCTGACAGTGGTGGCTGCTGCTTGACC-3'
Protein context (NP_060272.3, residues 519-539): LLDVLLTIVA[Leu529His]AGATGLRDKA

ClinVar aggregate classification (germline): Uncertain significance. Review status: criteria provided, multiple submitters, no conflicts (2 of 4 stars). 2 submissions from 2 submitters: Uncertain significance (2). Last evaluated 2021-10-07.

Conditions:
Primary ciliary dyskinesia 18. Also called: CILIARY DYSKINESIA, PRIMARY, 18, WITH OR WITHOUT SITUS INVERSUS. Identifiers: Orphanet 244, MedGen C3543825, MONDO:0013940, OMIM 614874.
Primary ciliary dyskinesia. Also called: Ciliary dyskinesia. Identifiers: Orphanet 244, MedGen C0008780, MONDO:0016575, HP:0012265.

Allele frequency attached by ClinVar (database versions not stated): gnomAD exomes below 0.00001; gnomAD 0.00001; TOPMed 0.00002; ExAC 0.00003; ESP Exome Variant Server 0.00008.

Submissions (2):

Fulgent Genetics
Classification: Uncertain significance for Primary ciliary dyskinesia 18. Last evaluated: 2021-10-07. Review status: criteria provided, single submitter. Criteria: ACMG Guidelines, 2015. Collection method: clinical testing. Allele origin: unknown.

Labcorp Genetics (formerly Invitae), Labcorp
Classification: Uncertain significance for Primary ciliary dyskinesia. Last evaluated: 2021-08-24. Review status: criteria provided, single submitter. Criteria: Invitae Variant Classification Sherloc (09022015). Collection method: clinical testing. Allele origin: germline.
Comment: This sequence change replaces leucine with histidine at codon 529 of the DNAAF5 protein (p.Leu529His). The leucine residue is weakly conserved and there is a moderate physicochemical difference between leucine and histidine. This variant is present in population databases (rs368098310, ExAC 0.005%). This variant has not been reported in the literature in individuals affected with DNAAF5-related conditions. Algorithms developed to predict the effect of missense changes on protein structure and function are either unavailable or do not agree on the potential impact of this missense change (SIFT: "Deleterious"; PolyPhen-2: "Possibly Damaging"; Align-GVGD: "Class C0"). In summary, the available evidence is currently insufficient to determine the role of this variant in disease. Therefore, it has been classified as a Variant of Uncertain Significance.